The following is an entry in ClinVar:

ClinVar aggregate classification (germline): Uncertain significance. Review status: reviewed by expert panel (3 of 4 stars). 2 submissions from 2 submitters: Uncertain significance (1). 1 of the submissions does not count toward it. Last evaluated 2026-10-27.

Conditions:
CYP1B1-related glaucoma with or without anterior segment dysgenesis. Identifiers: MedGen CN375931, MONDO:0800472.

Submissions (2):

ClinGen Glaucoma Variant Curation Expert Panel
Classification: Uncertain significance for CYP1B1-related glaucoma with or without anterior segment dysgenesis. Last evaluated: 2026-10-27. Review status: reviewed by expert panel. Criteria: ClinGen Glaucoma ACMG Specifications CYP1B1 V2.0. Collection method: curation. Allele origin: germline. Inheritance: Autosomal recessive inheritance.
Comment: The c.80T>C variant in CYP1B1 is a missense variant predicted to cause substitution of Leucine by Proline at amino acid 27 (p.Leu27Pro). This variant was not found in any genetic ancestry group of gnomAD (v4.1), meeting the ≤ 0.0005 threshold set for PM2_Supporting in a genetic ancestry group of at least 2,000 alleles. This missense variant was not predicted to affect splicing, as assessed with SpliceAI (≤ 0.1) and the REVEL score = 0.406, which was neither above nor below the thresholds for PP3 (≥ 0.644) or BP4 (≤ 0.290), predicting a damaging or benign impact on CYP1B1 function. There was no functional evidence predicting a damaging or benign impact of this variant on CYP1B1 function. This variant has been identified in an individual with a CYP1B1-related phenotype. This individual is compound heterozygous for the variant and a pathogenic variant (phase unknown) (PMID: 35011756). Total proband points = 0.5, meeting PM3_Supporting. In summary, this variant met the criteria to receive a score of 2 and to be classified as a variant of uncertain significance (uncertain significance classification range -1 to 5, adapted from PMID: 32720330) for CYP1B1-related glaucoma with or without anterior segment dysgenesis (ASD) based on the ACMG/AMP criteria met, as specified by the ClinGen Glaucoma VCEP (v2.0, 16.07.2026): PM2_Supporting, PM3_Supporting.

Women's Health and Genetics/Laboratory Corporation of America, LabCorp
Classification: Uncertain significance. Last evaluated: 2024-04-12. Review status: criteria provided, single submitter. Criteria: LabCorp Variant Classification Summary - May 2015. Collection method: clinical testing. Allele origin: germline. Not counted in ClinVar's aggregate classification.
Comment: Variant summary: CYP1B1 c.80T>C (p.Leu27Pro) results in a non-conservative amino acid change in the encoded protein sequence. Three of five in-silico tools predict a damaging effect of the variant on protein function. The frequency data for this variant in gnomAD is considered unreliable, as metrics indicate poor data quality at this position. c.80T>C has been reported in the literature in a setting of whole exome sequencing in at least one compound heterozygous individual affected with childhood glaucoma (e.g. Stingl_2022). These data do not provide sufficient evidence to allow any conclusion about variant significance. To our knowledge, no experimental evidence demonstrating an impact on protein function has been reported. The following publication has been ascertained in the context of this evaluation (PMID: 35011756). No submitters have cited clinical-significance assessments for this variant to ClinVar. Based on the evidence outlined above, the variant was classified as uncertain significance.

Literature cited by the submitters: PubMed 35011756 (cited by Women's Health and Genetics/Laboratory Corporation of America, LabCorp).

NM_000104.4(CYP1B1):c.80T>C (p.Leu27Pro)

Gene: CYP1B1 (cytochrome P450 family 1 subfamily B member 1; minus strand). Cytogenetic location: 2p22.2.
Variant type: single nucleotide variant.
Coding change: c.80T>C on transcript NM_000104.4 (MANE Select); coding-DNA position 80, T replaced by C.
Protein change: p.Leu27Pro; replaces leucine 27 with proline.
Molecular consequence: missense variant.
Genome position (GRCh38, 1-based): chr2:38,075,309, A>G on the plus strand (T>C on the coding strand, the complement: CYP1B1 is on the minus strand). VCF-style: chr2-38075309-A-G. GRCh37 (hg19) VCF-style: chr2-38302452-A-G.
Other names: NM_000104.4(CYP1B1):c.80T>C; p.Leu27Pro; short protein forms L27P.
Identifiers: ClinVar variation 3251332 (VCV003251332.2), dbSNP rs2465885107.